The following is an entry in ClinVar:

ClinVar aggregate classification (germline): Benign (0 of 4 stars; one submission).

Conditions:
DMBT1-related disorder. Also called: DMBT1-related condition.

Allele frequency attached by ClinVar (database versions not stated): 1000 Genomes Project 30x 0.00062; 1000 Genomes Project 0.00080; TOPMed 0.00097; ESP Exome Variant Server 0.00122; ExAC 0.00186; gnomAD 0.00186; gnomAD exomes 0.00225.
gnomAD v4.1: 3,504 of 1,613,872 alleles (0.22%); highest among the groups gnomAD compares: Non-Finnish European, 0.23%; 11 homozygotes.

Submission:

PreventionGenetics, part of Exact Sciences
Classification: Benign for DMBT1-related condition. Last evaluated: 2019-04-24. Review status: no assertion criteria provided. Collection method: clinical testing. Allele origin: germline.
Comment: This variant is classified as benign based on ACMG/AMP sequence variant interpretation guidelines (Richards et al. 2015 PMID: 25741868, with internal and published modifications).

NM_001377530.1(DMBT1):c.803C>T (p.Ala268Val)

Gene: DMBT1 (deleted in malignant brain tumors 1; plus strand). Cytogenetic location: 10q26.13.
Variant type: single nucleotide variant.
Coding change: c.803C>T on transcript NM_001377530.1 (MANE Select); coding-DNA position 803, C replaced by T.
Protein change: p.Ala268Val; replaces alanine 268 with valine.
Molecular consequence: missense variant.
Genome position (GRCh38, 1-based): chr10:122,579,701, C>T. VCF-style: chr10-122579701-C-T. GRCh37 (hg19) VCF-style: chr10-124339217-C-T.
Other names: c.803C>T, p.Ala268Val (NM_001320644.2, NM_004406.3, NM_007329.3 and 1 more transcripts); short protein forms A268V.
Identifiers: ClinVar variation 3034279 (VCV003034279.2), dbSNP rs149788698, ClinGen allele CA5726608.